The following is an entry in ClinVar:

ClinVar aggregate classification (germline): Uncertain significance (1 of 4 stars; one submission).

Conditions:
Hereditary pheochromocytoma and paraganglioma. Also called: Hereditary paragangliomas and pheochromocytomas; Hereditary Paraganglioma-Pheochromocytoma Syndromes; Hereditary pheochromocytoma-paraganglioma. Identifiers: Orphanet 29072, MedGen C4274332, MONDO:0017366.

Submission:

Labcorp Genetics (formerly Invitae), Labcorp
Classification: Uncertain significance for Hereditary pheochromocytoma and paraganglioma. Last evaluated: 2021-01-28. Review status: criteria provided, single submitter. Criteria: Invitae Variant Classification Sherloc (09022015). Collection method: clinical testing. Allele origin: germline.
Comment: In summary, the available evidence is currently insufficient to determine the role of this variant in disease. Therefore, it has been classified as a Variant of Uncertain Significance. Experimental studies and prediction algorithms are not available or were not evaluated, and the functional significance of this variant is currently unknown. This variant has not been reported in the literature in individuals with SDHAF2-related conditions. This variant results in a copy number gain of the genomic region encompassing exon(s) 1-3 of the SDHAF2 gene. This region includes the initiator codon of the gene. The 5' end of this event is unknown as it extends beyond the assayed region for this gene and therefore may encompass additional genes. The 3' boundary is likely confined to intron 3 of the SDHAF2 gene. As the precise location of this event is unknown, it may be in tandem or it may be located elsewhere in the genome.

NC_000011.9:g.(?_61197619)_(61205595_?)dup

Gene: SDHAF2 (succinate dehydrogenase complex assembly factor 2; plus strand). Cytogenetic location: 11q12.2.
Variant type: Duplication.
Identifiers: ClinVar variation 1430212 (VCV001430212.4).